The following is an entry in ClinVar:

ClinVar aggregate classification (germline): Uncertain significance (1 of 4 stars; one submission).

Conditions:
Hereditary spastic paraplegia 30. Identifiers: Orphanet 101010, MedGen C5235139, MONDO:0012476.

Submission:

SIB Swiss Institute of Bioinformatics
Classification: Uncertain significance for Spastic paraplegia 30A, autosomal dominant. Last evaluated: 2020-06-15. Review status: criteria provided, single submitter. Criteria: ACMG Guidelines, 2015. Collection method: curation. Allele origin: unknown.
Comment: This variant is interpreted as a variant of ucertain significace for spastic paraplegia 30, autosomal dominant. The following ACMG Tag(s) were applied: Absent from controls (or at extremely low frequency if recessive) in Exome Sequencing Project, 1000 Genomes Project, or Exome Aggregation Consortium (PM2); Multiple lines of computational evidence support a deleterious effect on the gene or gene product (PP3); Missense variant in a gene that has a low rate of benign missense variation and in which missense variants are a common mechanism of disease (PP2).

Literature cited by the submitters: PubMed 31488895.

NM_001244008.2(KIF1A):c.2880C>A (p.Asn960Lys)

Gene: KIF1A (kinesin family member 1A; minus strand). Cytogenetic location: 2q37.3.
Variant type: single nucleotide variant.
Coding change: c.2880C>A on transcript NM_001244008.2 (MANE Select); coding-DNA position 2880, C replaced by A.
Protein change: p.Asn960Lys; replaces asparagine 960 with lysine.
Molecular consequence: missense variant.
Genome position (GRCh38, 1-based): chr2:240,750,526, G>T on the plus strand (C>A on the coding strand, the complement: KIF1A is on the minus strand). VCF-style: chr2-240750526-G-T. GRCh37 (hg19) VCF-style: chr2-241689943-G-T.
Other names: c.2604C>A, p.Asn868Lys (NM_001320705.2, NM_001330289.2, NM_001379638.1); c.2679C>A, p.Asn893Lys (NM_001330290.2, NM_001379634.1, NM_001379635.1 and 1 more transcripts); c.2955C>A, p.Asn985Lys (NM_001379631.1); c.2829C>A, p.Asn943Lys (NM_001379632.1); c.2853C>A, p.Asn951Lys (NM_001379633.1, NM_001379642.1, NM_001379645.1); c.2577C>A, p.Asn859Lys (NM_001379636.1, NM_001379639.1, NM_001379640.1 and 6 more transcripts); c.2652C>A, p.Asn884Lys (NM_001379637.1, NM_001379648.1); short protein forms N859K, N868K, N884K, N893K, N943K, N951K, N960K, N985K.
Identifiers: ClinVar variation 974919 (VCV000974919.1), dbSNP rs2049088933, ClinGen allele CA351320137.